The following is an entry in ClinVar:

ClinVar aggregate classification (germline): Benign. Review status: criteria provided, multiple submitters, no conflicts (2 of 4 stars). 2 submissions from 2 submitters: Benign (2). Last evaluated 2018-06-19.

Allele frequency attached by ClinVar (database versions not stated): gnomAD exomes 0.11577 and 0.12245; ExAC 0.13101; gnomAD 0.19399 and 0.20092; 1000 Genomes Project 0.20327; ESP Exome Variant Server 0.20542; TOPMed 0.20674; 1000 Genomes Project 30x 0.20924.
gnomAD v4.1: 195,003 of 1,574,456 alleles (12%); highest among the groups gnomAD compares: African/African-American, 42%; 15,934 homozygotes.

Submissions (2):

GeneDx
Classification: Benign. Last evaluated: 2018-06-19. Review status: criteria provided, single submitter. Criteria: GeneDx Variant Classification (06012015). Collection method: clinical testing. Allele origin: germline. Affected: yes.
Comment: This variant is considered likely benign or benign based on one or more of the following criteria: it is a conservative change, it occurs at a poorly conserved position in the protein, it is predicted to be benign by multiple in silico algorithms, and/or has population frequency not consistent with disease.

Breakthrough Genomics
Classification: Benign. Review status: criteria provided, single submitter. Criteria: ACMG Guidelines, 2015. Collection method: not provided. Allele origin: germline. Inheritance: Autosomal recessive inheritance. Affected: yes.

NM_001199397.3(NEK1):c.1911+23G>T

Gene: NEK1 (NIMA related kinase 1; minus strand). Cytogenetic location: 4q33.
Variant type: single nucleotide variant.
Coding change: c.1911+23G>T on transcript NM_001199397.3 (MANE Select); 23 bases into the intron after coding-DNA position 1911, G replaced by T.
Molecular consequence: intron variant.
Genome position (GRCh38, 1-based): chr4:169,507,692, C>A on the plus strand (G>T on the coding strand, the complement: NEK1 is on the minus strand). VCF-style: chr4-169507692-C-A. GRCh37 (hg19) VCF-style: chr4-170428843-C-A.
Other names: c.1701+23G>T (NM_001374421.1); c.1776+23G>T (NM_001374420.1); c.1620+23G>T (NM_001199399.3); c.1779+23G>T (NM_001199398.3); c.1827+23G>T (NM_001374419.1, NM_012224.4); c.1695+23G>T (NM_001199400.3); c.1911+23G>T (NM_001374418.1).
Identifiers: ClinVar variation 674995 (VCV000674995.2), dbSNP rs17054977, ClinGen allele CA3137582.